The following is an entry in ClinVar:

ClinVar aggregate classification (germline): Uncertain significance. Review status: criteria provided, multiple submitters, no conflicts (2 of 4 stars). 4 submissions from 4 submitters: Uncertain significance (4). Last evaluated 2024-09-05.

Conditions:
Hereditary cancer-predisposing syndrome. Also called: Hereditary neoplastic syndrome; Neoplastic Syndromes, Hereditary; Tumor predisposition; Hereditary Cancer Syndrome. Identifiers: Orphanet 140162, MedGen C0027672, MeSH D009386, MONDO:0015356.
Hereditary diffuse gastric adenocarcinoma (HDGC). Also called: DIFFUSE GASTRIC AND LOBULAR BREAST CANCER SYNDROME. Identifiers: Orphanet 26106, MedGen C1708349, MONDO:0007648, OMIM 137215.

Allele frequency attached by ClinVar (database versions not stated): gnomAD exomes below 0.00001.
gnomAD v4.1: 1 of 1,614,186 alleles (0.000062%); highest among the groups gnomAD compares: Non-Finnish European, 0.000085%; no homozygotes.

Submissions (4):

Ambry Genetics
Classification: Uncertain significance for Hereditary cancer-predisposing syndrome. Last evaluated: 2024-09-05. Review status: criteria provided, single submitter. Criteria: Ambry Variant Classification Scheme 2023. Collection method: clinical testing. Allele origin: germline.
Comment: The p.G352D variant (also known as c.1055G>A), located in coding exon 8 of the CDH1 gene, results from a G to A substitution at nucleotide position 1055. The glycine at codon 352 is replaced by aspartic acid, an amino acid with similar properties. This amino acid position is highly conserved in available vertebrate species. In addition, this alteration is predicted to be deleterious by in silico analysis. Based on the available evidence, the clinical significance of this variant remains unclear.

Labcorp Genetics (formerly Invitae), Labcorp
Classification: Uncertain significance for Hereditary diffuse gastric adenocarcinoma. Last evaluated: 2022-08-21. Review status: criteria provided, single submitter. Criteria: Invitae Variant Classification Sherloc (09022015). Collection method: clinical testing. Allele origin: germline.
Comment: This variant has not been reported in the literature in individuals affected with CDH1-related conditions. This variant is not present in population databases (gnomAD no frequency). This sequence change replaces glycine, which is neutral and non-polar, with aspartic acid, which is acidic and polar, at codon 352 of the CDH1 protein (p.Gly352Asp). ClinVar contains an entry for this variant (Variation ID: 483256). In summary, the available evidence is currently insufficient to determine the role of this variant in disease. Therefore, it has been classified as a Variant of Uncertain Significance. Algorithms developed to predict the effect of sequence changes on RNA splicing suggest that this variant may disrupt the consensus splice site. Algorithms developed to predict the effect of missense changes on protein structure and function (SIFT, PolyPhen-2, Align-GVGD) all suggest that this variant is likely to be disruptive.

GeneDx
Classification: Uncertain significance. Last evaluated: 2022-01-19. Review status: criteria provided, single submitter. Criteria: GeneDx Variant Classification Process June 2021. Collection method: clinical testing. Allele origin: germline. Affected: yes.
Comment: Not observed at significant frequency in large population cohorts (gnomAD); In silico analysis supports that this missense variant has a deleterious effect on protein structure/function; Has not been previously published as pathogenic or benign to our knowledge; This variant is associated with the following publications: (PMID: 15235021, 22850631)

Quest Diagnostics Nichols Institute San Juan Capistrano
Classification: Uncertain significance. Last evaluated: 2018-08-13. Review status: criteria provided, single submitter. Criteria: Quest Diagnostics criteria. Collection method: clinical testing. Allele origin: germline.

NM_004360.5(CDH1):c.1055G>A (p.Gly352Asp)

Gene: CDH1 (cadherin 1; plus strand). Cytogenetic location: 16q22.1.
Variant type: single nucleotide variant.
Coding change: c.1055G>A on transcript NM_004360.5 (MANE Select); coding-DNA position 1055, G replaced by A.
Protein change: p.Gly352Asp; replaces glycine 352 with aspartic acid.
Molecular consequence: missense variant. On other transcripts: 5 prime UTR variant (2).
Genome position (GRCh38, 1-based): chr16:68,812,181, G>A. VCF-style: chr16-68812181-G-A. GRCh37 (hg19) VCF-style: chr16-68846084-G-A.
Other names: c.1055G>A (LRG_301t1); c.1055G>A, p.Gly352Asp (NM_001317184.2); c.-561G>A (NM_001317185.2); c.-765G>A (NM_001317186.2); short protein forms G352D.
Identifiers: ClinVar variation 483256 (VCV000483256.18), dbSNP rs1555515728, ClinGen allele CA396460009.
Genomic context (GRCh38, chr16:68,812,181, plus strand): 5'-CGATCTCTCTGCAGAGTTTCCCTACGTATACCCTGGTGGTTCAAGCTGCTGACCTTCAAG[G>A]TGAGGGGTTAAGCACAACAGCAACAGCTGTGATCACAGTCACTGACACCAACGATAATCC-3'
Protein context (NP_004351.1, residues 342-362): TLVVQAADLQ[Gly352Asp]EGLSTTATAV